The following is an entry in ClinVar:

NM_000090.4(COL3A1):c.3440C>T (p.Pro1147Leu)

Gene: COL3A1 (collagen type III alpha 1 chain; plus strand). Cytogenetic location: 2q32.2.
Variant type: single nucleotide variant.
Coding change: c.3440C>T on transcript NM_000090.4 (MANE Select); coding-DNA position 3440, C replaced by T.
Protein change: p.Pro1147Leu; replaces proline 1147 with leucine.
Molecular consequence: missense variant.
Genome position (GRCh38, 1-based): chr2:189,008,057, C>T. VCF-style: chr2-189008057-C-T. GRCh37 (hg19) VCF-style: chr2-189872783-C-T.
Other names: short protein forms P1147L.
Identifiers: ClinVar variation 391619 (VCV000391619.21), dbSNP rs889877870, ClinGen allele CA16603976.

ClinVar aggregate classification (germline): Uncertain significance. Review status: criteria provided, multiple submitters, no conflicts (2 of 4 stars). 6 submissions from 6 submitters: Uncertain significance (6). Last evaluated 2026-09-09.

Conditions:
Familial thoracic aortic aneurysm and aortic dissection (TAAD). Also called: Thoracic aortic aneurysms and dissections. Identifiers: Orphanet 91387, MedGen C4707243, MONDO:0019625.
Ehlers-Danlos syndrome, type 4 (EDSVASC). Also called: Ehlers-Danlos Syndrome Type IV; Ehlers-Danlos syndrome vascular type; Ehlers Danlos syndrome, ecchymotic type; Ehlers Danlos syndrome, arterial type; Ehlers Danlos syndrome, Sack-Barabas type. Identifiers: Orphanet 286, MedGen C0268338, MONDO:0017314, OMIM 130050.

Allele frequency attached by ClinVar (database versions not stated): gnomAD exomes 0.00001; TOPMed 0.00001.
gnomAD v4.1: 6 of 1,614,078 alleles (0.00037%); highest among the groups gnomAD compares: Middle Eastern, 0.017%; no homozygotes.

Submissions (6):

GeneDx
Classification: Uncertain significance. Last evaluated: 2026-09-09. Review status: criteria provided, single submitter. Criteria: GeneDx Variant Classification Process June 2021. Collection method: clinical testing. Allele origin: germline.
Comment: In silico analysis supports that this missense variant has a deleterious effect on protein structure/function; Occurs in the triple helical domain at the X position in the canonical Gly-X-Y repeat; although this variant may have an effect on normal protein folding and function, missense substitution at the X position is not a common mechanism of disease (HGMD); Has not been previously published as pathogenic or benign to our knowledge

Ambry Genetics
Classification: Uncertain significance for Familial thoracic aortic aneurysm and aortic dissection. Last evaluated: 2025-08-04. Review status: criteria provided, single submitter. Criteria: Ambry Variant Classification Scheme 2023. Collection method: clinical testing. Allele origin: germline.
Comment: The p.P1147L variant (also known as c.3440C>T), located in coding exon 47 of the COL3A1 gene, results from a C to T substitution at nucleotide position 3440. The proline at codon 1147 is replaced by leucine, an amino acid with similar properties. This amino acid position is well conserved in available vertebrate species. In addition, the in silico prediction for this alteration is inconclusive. Since supporting evidence is limited at this time, the clinical significance of this alteration remains unclear.

All of Us Research Program, National Institutes of Health
Classification: Uncertain significance for Ehlers-Danlos syndrome, type 4. Last evaluated: 2024-07-10. Review status: criteria provided, single submitter. Criteria: ACMG Guidelines, 2015. Collection method: clinical testing. Allele origin: germline. Inheritance: Autosomal dominant inheritance. Observed: 1 variant allele, 1 heterozygote.
Comment: Variant of Uncertain Significance due to insufficient evidence: This missense variant is located in the triple-helical region of the COL3A1 protein. Computational prediction tools and conservation analyses suggest that this variant may have deleterious impact on the protein function. Computational splicing tools suggest that this variant may not impact RNA splicing. To our knowledge, functional assays have not been performed for this variant nor has this variant been reported in individuals affected with cardiovascular disorders in the literature. This variant has been identified in 2/245792 chromosomes in the general population by the Genome Aggregation Database (gnomAD). Available evidence is insufficient to determine the pathogenicity of this variant conclusively.

This study involves interpretation of variants in research participants for the purpose of population health screening. Participant phenotype was not available at the time of variant classification. Additional details can be found in publication PMID: 35346344, PMCID: PMC8962531

Labcorp Genetics (formerly Invitae), Labcorp
Classification: Uncertain significance for Ehlers-Danlos syndrome, type 4. Last evaluated: 2024-07-08. Review status: criteria provided, single submitter. Criteria: Invitae Variant Classification Sherloc (09022015). Collection method: clinical testing. Allele origin: germline.
Comment: This sequence change replaces proline, which is neutral and non-polar, with leucine, which is neutral and non-polar, at codon 1147 of the COL3A1 protein (p.Pro1147Leu). This variant is present in population databases (no rsID available, gnomAD 0.006%). This variant has not been reported in the literature in individuals affected with COL3A1-related conditions. ClinVar contains an entry for this variant (Variation ID: 391619). Advanced modeling of protein sequence and biophysical properties (such as structural, functional, and spatial information, amino acid conservation, physicochemical variation, residue mobility, and thermodynamic stability) performed at Invitae indicates that this missense variant is not expected to disrupt COL3A1 protein function with a negative predictive value of 95%. In summary, the available evidence is currently insufficient to determine the role of this variant in disease. Therefore, it has been classified as a Variant of Uncertain Significance.

Color Diagnostics, LLC DBA Color Health
Classification: Uncertain significance for Familial thoracic aortic aneurysm and aortic dissection. Last evaluated: 2023-12-05. Review status: criteria provided, single submitter. Criteria: ACMG Guidelines, 2015. Collection method: clinical testing. Allele origin: germline.
Comment: Variant of Uncertain Significance due to insufficient evidence: This missense variant is located in the triple-helical region of the COL3A1 protein. Computational prediction tools and conservation analyses suggest that this variant may have deleterious impact on the protein function. Computational splicing tools suggest that this variant may not impact RNA splicing. To our knowledge, functional assays have not been performed for this variant nor has this variant been reported in individuals affected with cardiovascular disorders in the literature. This variant has been identified in 2/245792 chromosomes in the general population by the Genome Aggregation Database (gnomAD). Available evidence is insufficient to determine the pathogenicity of this variant conclusively.

CHEO Genetics Diagnostic Laboratory, Children's Hospital of Eastern Ontario
Classification: Uncertain significance for Familial thoracic aortic aneurysm and aortic dissection. Last evaluated: 2022-12-13. Review status: criteria provided, single submitter. Criteria: ACMG Guidelines, 2015. Collection method: clinical testing. Allele origin: germline.